The following is an entry in ClinVar:

ClinVar aggregate classification (germline): Conflicting classifications of pathogenicity. Review status: criteria provided, conflicting classifications (1 of 4 stars). 4 submissions from 4 submitters: Uncertain significance (3); Likely benign (1). Last evaluated 2024-03-01.

Conditions:
Inborn genetic diseases. Identifiers: MedGen C0950123, MeSH D030342.

Allele frequency attached by ClinVar (database versions not stated): gnomAD 0.00001; TOPMed 0.00001; ExAC 0.00002; gnomAD exomes 0.00002.
gnomAD v4.1: 10 of 1,613,538 alleles (0.00062%); highest among the groups gnomAD compares: Admixed American, 0.0083%; no homozygotes.

Submissions (4):

GeneDx
Classification: Uncertain significance. Last evaluated: 2024-03-01. Review status: criteria provided, single submitter. Criteria: GeneDx Variant Classification Process June 2021. Collection method: clinical testing. Allele origin: germline. Affected: yes.
Comment: Not observed at significant frequency in large population cohorts (gnomAD); Missense variants in this gene are a common cause of disease and they are underrepresented in the general population; In silico analysis supports that this missense variant does not alter protein structure/function; Has not been previously published as pathogenic or benign to our knowledge

Ambry Genetics
Classification: Likely benign for Inborn genetic diseases. Last evaluated: 2023-03-06. Review status: criteria provided, single submitter. Criteria: Ambry Variant Classification Scheme 2023. Collection method: clinical testing. Allele origin: germline.

Labcorp Genetics (formerly Invitae), Labcorp
Classification: Uncertain significance. Last evaluated: 2022-02-14. Review status: criteria provided, single submitter. Criteria: Invitae Variant Classification Sherloc (09022015). Collection method: clinical testing. Allele origin: germline.
Comment: This sequence change replaces arginine, which is basic and polar, with glutamine, which is neutral and polar, at codon 175 of the MPV17 protein (p.Arg175Gln). This variant is present in population databases (rs746180658, gnomAD 0.01%). This variant has not been reported in the literature in individuals affected with MPV17-related conditions. Advanced modeling of protein sequence and biophysical properties (such as structural, functional, and spatial information, amino acid conservation, physicochemical variation, residue mobility, and thermodynamic stability) performed at Invitae indicates that this missense variant is not expected to disrupt MPV17 protein function. In summary, the available evidence is currently insufficient to determine the role of this variant in disease. Therefore, it has been classified as a Variant of Uncertain Significance.

Mayo Clinic Laboratories, Mayo Clinic
Classification: Uncertain significance. Last evaluated: 2022-01-12. Review status: criteria provided, single submitter. Criteria: ACMG Guidelines, 2015. Collection method: clinical testing. Allele origin: germline.

NM_002437.5(MPV17):c.524G>A (p.Arg175Gln)

Gene: MPV17 (mitochondrial inner membrane protein MPV17; minus strand). Cytogenetic location: 2p23.3.
Variant type: single nucleotide variant.
Coding change: c.524G>A on transcript NM_002437.5 (MANE Select); coding-DNA position 524, G replaced by A.
Protein change: p.Arg175Gln; replaces arginine 175 with glutamine.
Molecular consequence: missense variant.
Genome position (GRCh38, 1-based): chr2:27,309,919, C>T on the plus strand (G>A on the coding strand, the complement: MPV17 is on the minus strand). VCF-style: chr2-27309919-C-T. GRCh37 (hg19) VCF-style: chr2-27532787-C-T.
Other names: p.Arg175Gln; short protein forms R175Q.
Identifiers: ClinVar variation 1693807 (VCV001693807.9), dbSNP rs746180658, ClinGen allele CA1575461.